The following is an entry in ClinVar:

NM_198586.3(NHLRC1):c.389C>T (p.Thr130Ile)

Gene: NHLRC1 (NHL repeat containing E3 ubiquitin protein ligase 1; minus strand). Cytogenetic location: 6p22.3.
Variant type: single nucleotide variant.
Coding change: c.389C>T on transcript NM_198586.3 (MANE Select); coding-DNA position 389, C replaced by T.
Protein change: p.Thr130Ile; replaces threonine 130 with isoleucine.
Molecular consequence: missense variant.
Genome position (GRCh38, 1-based): chr6:18,122,218, G>A on the plus strand (C>T on the coding strand, the complement: NHLRC1 is on the minus strand). VCF-style: chr6-18122218-G-A. GRCh37 (hg19) VCF-style: chr6-18122449-G-A.
Other names: short protein forms T130I.
Identifiers: ClinVar variation 3613974 (VCV003613974.2).

ClinVar aggregate classification (germline): Uncertain significance (1 of 4 stars; one submission).

Conditions:
Lafora disease. Also called: Epilepsy progressive myoclonic 2; Progressive Myoclonus Epilepsy, Lafora Type. Identifiers: Orphanet 501, MedGen C0751783, MONDO:0009697.

Submission:

Labcorp Genetics (formerly Invitae), Labcorp
Classification: Uncertain significance for Lafora disease. Last evaluated: 2024-12-02. Review status: criteria provided, single submitter. Criteria: Invitae Variant Classification Sherloc (09022015). Collection method: clinical testing. Allele origin: germline.
Comment: This sequence change replaces threonine, which is neutral and polar, with isoleucine, which is neutral and non-polar, at codon 130 of the NHLRC1 protein (p.Thr130Ile). This variant is present in population databases (no rsID available, gnomAD 0.007%). This variant has not been reported in the literature in individuals affected with NHLRC1-related conditions. Invitae Evidence Modeling of protein sequence and biophysical properties (such as structural, functional, and spatial information, amino acid conservation, physicochemical variation, residue mobility, and thermodynamic stability) has been performed for this missense variant. However, the output from this modeling did not meet the statistical confidence thresholds required to predict the impact of this variant on NHLRC1 protein function. In summary, the available evidence is currently insufficient to determine the role of this variant in disease. Therefore, it has been classified as a Variant of Uncertain Significance.